The following is an entry in ClinVar:

NM_014806.5(RUSC2):c.1522C>G (p.Pro508Ala)

Gene: RUSC2 (RUN and SH3 domain containing 2; plus strand). Cytogenetic location: 9p13.3.
Variant type: single nucleotide variant.
Coding change: c.1522C>G on transcript NM_014806.5 (MANE Select); coding-DNA position 1522, C replaced by G.
Protein change: p.Pro508Ala; replaces proline 508 with alanine.
Molecular consequence: missense variant. On other transcripts: non-coding transcript variant (1), intron variant (1).
Genome position (GRCh38, 1-based): chr9:35,548,043, C>G. VCF-style: chr9-35548043-C-G. GRCh37 (hg19) VCF-style: chr9-35548040-C-G.
Other names: c.1522C>G, p.Pro508Ala (NM_001135999.2); c.-620-7017C>G (NM_001330740.2); short protein forms P508A.
Identifiers: ClinVar variation 1422526 (VCV001422526.6), dbSNP rs1447850222, ClinGen allele CA373333840.
Genomic context (GRCh38, chr9:35,548,043, plus strand): 5'-AACCTCAGCACTGGACGTCAGCGCTCCCGCAGCTATGATCGCAGCCTGCAGCGCAGCCCT[C>G]CTGTCCGCCTGGGCTCGCTGGAACGTATGTTGAGTTGCCCAGTGCGCTTGAGTGAGGGCC-3'
Protein context (NP_055621.2, residues 498-518): SYDRSLQRSP[Pro508Ala]VRLGSLERML

ClinVar aggregate classification (germline): Uncertain significance (1 of 4 stars; one submission).

gnomAD v4.1: 1 of 1,613,724 alleles (0.000062%); highest among the groups gnomAD compares: African/African-American, 0.0013%; no homozygotes.

Submission:

Labcorp Genetics (formerly Invitae), Labcorp
Classification: Uncertain significance. Last evaluated: 2025-12-26. Review status: criteria provided, single submitter. Criteria: Invitae Variant Classification Sherloc (09022015). Collection method: clinical testing. Allele origin: germline.
Comment: This sequence change replaces proline, which is neutral and non-polar, with alanine, which is neutral and non-polar, at codon 508 of the RUSC2 protein (p.Pro508Ala). This variant is not present in population databases (gnomAD no frequency). This variant has not been reported in the literature in individuals affected with RUSC2-related conditions. ClinVar contains an entry for this variant (Variation ID: 1422526). An algorithm developed to predict the effect of missense changes on protein structure and function outputs the following: PolyPhen-2: "Benign". The alanine amino acid residue is found in multiple mammalian species, which suggests that this missense change does not adversely affect protein function. In summary, the available evidence is currently insufficient to determine the role of this variant in disease. Therefore, it has been classified as a Variant of Uncertain Significance.